The following is an entry in ClinVar:

ClinVar aggregate classification (germline): Uncertain significance (1 of 4 stars; one submission).

Allele frequency attached by ClinVar (database versions not stated): gnomAD 0.00001; TOPMed 0.00001.

Submission:

Labcorp Genetics (formerly Invitae), Labcorp
Classification: Uncertain significance. Last evaluated: 2022-08-16. Review status: criteria provided, single submitter. Criteria: Invitae Variant Classification Sherloc (09022015). Collection method: clinical testing. Allele origin: germline.
Comment: Algorithms developed to predict the effect of missense changes on protein structure and function are either unavailable or do not agree on the potential impact of this missense change (SIFT: "Deleterious"; PolyPhen-2: "Benign"; Align-GVGD: "Class C35"). In summary, the available evidence is currently insufficient to determine the role of this variant in disease. Therefore, it has been classified as a Variant of Uncertain Significance. This variant has not been reported in the literature in individuals affected with TUFM-related conditions. This variant is present in population databases (no rsID available, gnomAD 0.004%). This sequence change replaces arginine, which is basic and polar, with tryptophan, which is neutral and slightly polar, at codon 230 of the TUFM protein (p.Arg230Trp).

NM_003321.5(TUFM):c.688C>T (p.Arg230Trp)

Gene: TUFM (Tu translation elongation factor, mitochondrial; minus strand). Cytogenetic location: 16p11.2.
Variant type: single nucleotide variant.
Coding change: c.688C>T on transcript NM_003321.5 (MANE Select); coding-DNA position 688, C replaced by T.
Protein change: p.Arg230Trp; replaces arginine 230 with tryptophan.
Molecular consequence: missense variant.
Genome position (GRCh38, 1-based): chr16:28,844,548, G>A on the plus strand (C>T on the coding strand, the complement: TUFM is on the minus strand). VCF-style: chr16-28844548-G-A. GRCh37 (hg19) VCF-style: chr16-28855869-G-A.
Other names: c.688C>T, p.Arg230Trp (NM_001365360.2); short protein forms R230W.
Identifiers: ClinVar variation 1904918 (VCV001904918.5), dbSNP rs1307714343, ClinGen allele CA395416825.